The following is an entry in ClinVar:

NM_006031.6(PCNT):c.391G>C (p.Gly131Arg)

Gene: PCNT (pericentrin; plus strand). Cytogenetic location: 21q22.3.
Variant type: single nucleotide variant.
Coding change: c.391G>C on transcript NM_006031.6 (MANE Select); coding-DNA position 391, G replaced by C.
Protein change: p.Gly131Arg; replaces glycine 131 with arginine.
Molecular consequence: missense variant.
Genome position (GRCh38, 1-based): chr21:46,334,520, G>C. VCF-style: chr21-46334520-G-C. GRCh37 (hg19) VCF-style: chr21-47754434-G-C.
Other names: c.37G>C, p.Gly13Arg (NM_001315529.2); short protein forms G131R, G13R.
Identifiers: ClinVar variation 3032458 (VCV003032458.3), dbSNP rs764829136, ClinGen allele CA322000796.
Genomic context (GRCh38, chr21:46,334,520, plus strand): 5'-GACCATCCTCCAGAGCAGTGTGGGATGTTCACAGTCAGTGACCACCCACCAGAACAGCAT[G>C]GGATGTTCACAGTCGGTGACCACCCACCAGAACAGCGTGGGATGTTCACAGTCAGTGACC-3'
Protein context (NP_006022.3, residues 121-141): TVSDHPPEQH[Gly131Arg]MFTVGDHPPE

ClinVar aggregate classification (germline): Uncertain significance (1 of 4 stars; one submission).

Conditions:
PCNT-related disorder. Also called: PCNT-related condition.

Allele frequency attached by ClinVar (database versions not stated): TOPMed 0.00002.
gnomAD v4.1: 26 of 1,601,828 alleles (0.0016%); highest among the groups gnomAD compares: Non-Finnish European, 0.0021%; no homozygotes.

Submission:

PreventionGenetics, part of Exact Sciences
Classification: Uncertain significance for PCNT-related condition. Last evaluated: 2024-12-30. Review status: criteria provided, single submitter. Criteria: ACMG Guidelines, 2015. Collection method: clinical testing. Allele origin: germline.
Comment: The PCNT c.391G>C variant is predicted to result in the amino acid substitution p.Gly131Arg. To our knowledge, this variant has not been reported in the literature. This variant is reported in 0.0046% of alleles in individuals of European (Finnish) descent in gnomAD. At this time, the clinical significance of this variant is uncertain due to the absence of conclusive functional and genetic evidence.